The following is an entry in ClinVar:

NM_173728.4(ARHGEF15):c.512C>T (p.Pro171Leu)

Gene: ARHGEF15 (Rho guanine nucleotide exchange factor 15; plus strand). Cytogenetic location: 17p13.1.
Variant type: single nucleotide variant.
Coding change: c.512C>T on transcript NM_173728.4 (MANE Select); coding-DNA position 512, C replaced by T.
Protein change: p.Pro171Leu; replaces proline 171 with leucine.
Molecular consequence: missense variant.
Genome position (GRCh38, 1-based): chr17:8,312,551, C>T. VCF-style: chr17-8312551-C-T. GRCh37 (hg19) VCF-style: chr17-8215869-C-T.
Other names: c.512C>T, p.Pro171Leu (NM_025014.2); short protein forms P171L.
Identifiers: ClinVar variation 574151 (VCV000574151.13), dbSNP rs147736312, ClinGen allele CA8374876.
Genomic context (GRCh38, chr17:8,312,551, plus strand): 5'-GGAGGCTGGCTGGCAGGTTTGAAGGGGGTGCTGAAGGCCGGGCTCAGGATGCAGATGCCC[C>T]GGAGCCAGGTCTCCAAGCGAGAGCAGATGTGAATGGGGAGAGAGAAGCTCCCCTCACCGG-3'
Protein context (NP_776089.2, residues 161-181): AEGRAQDADA[Pro171Leu]EPGLQARADV

ClinVar aggregate classification (germline): Conflicting classifications of pathogenicity. Review status: criteria provided, conflicting classifications (1 of 4 stars). 2 submissions from 2 submitters: Uncertain significance (1); Likely benign (1). Last evaluated 2026-01-04.

Conditions:
Early-infantile DEE. Also called: Early infantile epileptic encephalopathy with suppression bursts; Early infantile epileptic encephalopathy; Ohtahara syndrome. Identifiers: Orphanet 1934, MedGen C0393706, MONDO:0800491.

Allele frequency attached by ClinVar (database versions not stated): ExAC 0.00007; gnomAD 0.00007; gnomAD exomes 0.00007; TOPMed 0.00008; ESP Exome Variant Server 0.00015.
gnomAD v4.1: 178 of 1,608,396 alleles (0.011%); highest among the groups gnomAD compares: East Asian, 0.016%; no homozygotes.

Submissions (2):

Labcorp Genetics (formerly Invitae), Labcorp
Classification: Uncertain significance for Early-infantile DEE. Last evaluated: 2026-01-04. Review status: criteria provided, single submitter. Criteria: Invitae Variant Classification Sherloc (09022015). Collection method: clinical testing. Allele origin: germline.
Comment: This sequence change replaces proline, which is neutral and non-polar, with leucine, which is neutral and non-polar, at codon 171 of the ARHGEF15 protein (p.Pro171Leu). This variant is present in population databases (rs147736312, gnomAD 0.04%), and has an allele count higher than expected for a pathogenic variant. This variant has not been reported in the literature in individuals affected with ARHGEF15-related conditions. ClinVar contains an entry for this variant (Variation ID: 574151). An algorithm developed to predict the effect of missense changes on protein structure and function outputs the following: PolyPhen-2: "Benign". The leucine amino acid residue is found in multiple mammalian species, which suggests that this missense change does not adversely affect protein function. In summary, the available evidence is currently insufficient to determine the role of this variant in disease. Therefore, it has been classified as a Variant of Uncertain Significance.

Ambry Genetics
Classification: Likely benign. Last evaluated: 2024-12-28. Review status: criteria provided, single submitter. Criteria: Ambry Variant Classification Scheme 2023. Collection method: clinical testing. Allele origin: germline.